The following is an entry in ClinVar:

NM_032242.4(PLXNA1):c.4935C>T (p.Pro1645=)

Gene: PLXNA1 (plexin A1; plus strand). Cytogenetic location: 3q21.3.
Variant type: single nucleotide variant.
Coding change: c.4935C>T on transcript NM_032242.4 (MANE Select); coding-DNA position 4935, C replaced by T.
Protein change: p.Pro1645=; no amino-acid change (proline 1645 retained).
Molecular consequence: synonymous variant.
Genome position (GRCh38, 1-based): chr3:127,029,938, C>T. VCF-style: chr3-127029938-C-T. GRCh37 (hg19) VCF-style: chr3-126748781-C-T.
Identifiers: ClinVar variation 3048154 (VCV003048154.3), dbSNP rs527394103, ClinGen allele CA2594572.
Genomic context (GRCh38, chr3:127,029,938, plus strand): 5'-CATGCTGCGCACGGCCAGCAGCCCCGACAGCCTGCGCTCGCGCACGCCCATGATCACGCC[C>T]GACCTGGAGAGCGGCACCAAGCTGTGGCACCTGGTGAAGAACCACGACCACCTGGACCAG-3'
Protein context (NP_115618.3, residues 1635-1655): SLRSRTPMIT[Pro1645=]DLESGTKLWH

ClinVar aggregate classification (germline): Likely benign. Review status: criteria provided, single submitter (1 of 4 stars). 2 submissions from 2 submitters: Likely benign (1). 1 of the submissions does not count toward it. Last evaluated 2025-07-20.

Conditions:
PLXNA1-related disorder. Also called: PLXNA1-related condition.

Allele frequency attached by ClinVar (database versions not stated): gnomAD 0.00001; TOPMed 0.00001; gnomAD exomes 0.00002; ExAC 0.00008; 1000 Genomes Project 30x 0.00016; 1000 Genomes Project 0.00020.
gnomAD v4.1: 36 of 1,613,578 alleles (0.0022%); highest among the groups gnomAD compares: South Asian, 0.03%; no homozygotes.

Submissions (2):

Labcorp Genetics (formerly Invitae), Labcorp
Classification: Likely benign. Last evaluated: 2025-07-20. Review status: criteria provided, single submitter. Criteria: Invitae Variant Classification Sherloc (09022015). Collection method: clinical testing. Allele origin: germline.

PreventionGenetics, part of Exact Sciences
Classification: Likely benign for PLXNA1-related condition. Last evaluated: 2021-06-07. Review status: no assertion criteria provided. Collection method: clinical testing. Allele origin: germline. Not counted in ClinVar's aggregate classification.
Comment: This variant is classified as likely benign based on ACMG/AMP sequence variant interpretation guidelines (Richards et al. 2015 PMID: 25741868, with internal and published modifications).